The following is an entry in ClinVar:

NM_003924.4(PHOX2B):c.143G>C (p.Arg48Thr)

Genes: PHOX2B (paired like homeobox 2B; minus strand), PHOX2B-AS1 (PHOX2B antisense RNA 1; plus strand). Cytogenetic location: 4p13.
Variant type: single nucleotide variant.
Coding change: c.143G>C on transcript NM_003924.4 (MANE Select); coding-DNA position 143, G replaced by C.
Protein change: p.Arg48Thr; replaces arginine 48 with threonine.
Molecular consequence: missense variant. On other transcripts: non-coding transcript variant (1).
Genome position (GRCh38, 1-based): chr4:41,748,468, C>G on the plus strand (G>C on the coding strand, the complement: PHOX2B is on the minus strand). VCF-style: chr4-41748468-C-G. GRCh37 (hg19) VCF-style: chr4-41750485-C-G.
Other names: short protein forms R48T.
Identifiers: ClinVar variation 2692681 (VCV002692681.3), dbSNP rs1733983472, ClinGen allele CA356740986.

ClinVar aggregate classification (germline): Uncertain significance (1 of 4 stars; one submission).

Conditions:
Haddad syndrome (OHD). Also called: Ondine-Hirschsprung disease. Identifiers: Orphanet 99803, MedGen C1859049, MONDO:0020493.

Submission:

Labcorp Genetics (formerly Invitae), Labcorp
Classification: Uncertain significance for Haddad syndrome. Last evaluated: 2023-11-02. Review status: criteria provided, single submitter. Criteria: Invitae Variant Classification Sherloc (09022015). Collection method: clinical testing. Allele origin: germline.
Comment: This sequence change replaces arginine, which is basic and polar, with threonine, which is neutral and polar, at codon 48 of the PHOX2B protein (p.Arg48Thr). This variant is not present in population databases (gnomAD no frequency). This variant has not been reported in the literature in individuals affected with PHOX2B-related conditions. Advanced modeling of protein sequence and biophysical properties (such as structural, functional, and spatial information, amino acid conservation, physicochemical variation, residue mobility, and thermodynamic stability) performed at Invitae indicates that this missense variant is not expected to disrupt PHOX2B protein function with a negative predictive value of 80%. In summary, the available evidence is currently insufficient to determine the role of this variant in disease. Therefore, it has been classified as a Variant of Uncertain Significance.